The following is an entry in ClinVar:

ClinVar aggregate classification (germline): Uncertain significance (1 of 4 stars; one submission).

Conditions:
Hereditary pancreatitis (PCTT). Also called: Hereditary chronic pancreatitis; PRSS1-Related Hereditary Pancreatitis. Identifiers: Orphanet 676, MedGen C0238339, MONDO:0008185, OMIM 167800.

Submission:

Ambry Genetics
Classification: Uncertain significance for Hereditary pancreatitis. Last evaluated: 2022-11-05. Review status: criteria provided, single submitter. Criteria: Ambry Variant Classification Scheme 2023. Collection method: clinical testing. Allele origin: germline.
Comment: The p.Q174R variant (also known as c.521A>G), located in coding exon 6 of the CTRC gene, results from an A to G substitution at nucleotide position 521. The glutamine at codon 174 is replaced by arginine, an amino acid with highly similar properties. This amino acid position is conserved. In addition, this alteration is predicted to be deleterious by in silico analysis. Since supporting evidence is limited at this time, the clinical significance of this alteration remains unclear.

NM_007272.3(CTRC):c.521A>G (p.Gln174Arg)

Gene: CTRC (chymotrypsin C; plus strand). Cytogenetic location: 1p36.21.
Variant type: single nucleotide variant.
Coding change: c.521A>G on transcript NM_007272.3 (MANE Select); coding-DNA position 521, A replaced by G.
Protein change: p.Gln174Arg; replaces glutamine 174 with arginine.
Molecular consequence: missense variant.
Genome position (GRCh38, 1-based): chr1:15,444,633, A>G. VCF-style: chr1-15444633-A-G. GRCh37 (hg19) VCF-style: chr1-15771128-A-G.
Other names: short protein forms Q174R.
Identifiers: ClinVar variation 2449706 (VCV002449706.2), dbSNP rs1325942029, ClinGen allele CA338567006.
Genomic context (GRCh38, chr1:15,444,633, plus strand): 5'-TGCCTCCCTGGTCACTGCTCACTCTCTCCCCAGCCAACGGCCCCATTGCTGATAAGCTGC[A>G]GCAGGGCCTGCAGCCCGTGGTGGATCACGCCACGTGCTCCAGGATTGACTGGTGGGGCTT-3'
Protein context (NP_009203.2, residues 164-184): WTNGPIADKL[Gln174Arg]QGLQPVVDHA